The following is an entry in ClinVar:

NM_001042492.3(NF1):c.1764T>C (p.His588=)

Gene: NF1 (neurofibromin 1; plus strand). Cytogenetic location: 17q11.2.
Variant type: single nucleotide variant.
Coding change: c.1764T>C on transcript NM_001042492.3 (MANE Select); coding-DNA position 1764, T replaced by C.
Protein change: p.His588=; no amino-acid change (histidine 588 retained).
Molecular consequence: synonymous variant.
Genome position (GRCh38, 1-based): chr17:31,223,486, T>C. VCF-style: chr17-31223486-T-C. GRCh37 (hg19) VCF-style: chr17-29550504-T-C.
Other names: c.1764T>C, p.His588= (NM_000267.4).
Identifiers: ClinVar variation 480160 (VCV000480160.18), dbSNP rs1229784876, ClinGen allele CA499229768.

ClinVar aggregate classification (germline): Benign/Likely benign. Review status: criteria provided, multiple submitters, no conflicts (2 of 4 stars). 6 submissions from 6 submitters: Benign (1); Likely benign (5). Last evaluated 2026-05-15.

Conditions:
Hereditary cancer-predisposing syndrome. Also called: Hereditary neoplastic syndrome; Neoplastic Syndromes, Hereditary; Hereditary Cancer Syndrome; Tumor predisposition. Identifiers: Orphanet 140162, MedGen C0027672, MeSH D009386, MONDO:0015356.
Cardiovascular phenotype. Identifiers: MedGen CN230736.
Neurofibromatosis, type 1 (NF1). Also called: Peripheral type neurofibromatosis; Neurofibromatosis, type I; VON RECKLINGHAUSEN DISEASE; NEUROFIBROMATOSIS, TYPE I, SOMATIC. Identifiers: Orphanet 636, MedGen C0027831, MONDO:0018975, OMIM 162200. Disease mechanism: loss of function.

Allele frequency attached by ClinVar (database versions not stated): gnomAD exomes 0.00001 and below 0.00001.
gnomAD v4.1: 4 of 1,613,150 alleles (0.00025%); highest among the groups gnomAD compares: Non-Finnish European, 0.00034%; no homozygotes.

Submissions (6):

Myriad Genetics, Inc.
Classification: Benign for Neurofibromatosis, type 1. Last evaluated: 2026-05-15. Review status: criteria provided, single submitter. Criteria: Myriad Autosomal Dominant, Autosomal Recessive and X-Linked Classification Criteria (2023). Collection method: clinical testing. Allele origin: unknown.
Comment: This variant is considered benign. This variant is a silent/synonymous amino acid change and it is not expected to impact splicing.

Labcorp Genetics (formerly Invitae), Labcorp
Classification: Likely benign for Neurofibromatosis, type 1. Last evaluated: 2025-11-09. Review status: criteria provided, single submitter. Criteria: Invitae Variant Classification Sherloc (09022015). Collection method: clinical testing. Allele origin: germline.

Genome-Nilou Lab
Classification: Likely benign for Neurofibromatosis, type 1. Last evaluated: 2022-03-15. Review status: criteria provided, single submitter. Criteria: ACMG Guidelines, 2015. Collection method: clinical testing. Allele origin: germline. Affected: no.

Sema4
Classification: Likely benign for Hereditary cancer-predisposing syndrome. Last evaluated: 2022-02-01. Review status: criteria provided, single submitter. Criteria: Sema4 Curation Guidelines. Collection method: curation. Allele origin: germline.

Women's Health and Genetics/Laboratory Corporation of America, LabCorp
Classification: Likely benign. Last evaluated: 2020-05-30. Review status: criteria provided, single submitter. Criteria: LabCorp Variant Classification Summary - May 2015. Collection method: clinical testing. Allele origin: germline.

Ambry Genetics
Classification: Likely benign for Cardiovascular phenotype; Hereditary cancer-predisposing syndrome. Last evaluated: 2017-01-22. Review status: criteria provided, single submitter. Criteria: Ambry Variant Classification Scheme 2023. Collection method: clinical testing. Allele origin: germline.